The following is an entry in ClinVar:

NM_000158.4(GBE1):c.1618+2T>C

Gene: GBE1 (1,4-alpha-glucan branching enzyme 1; minus strand). Cytogenetic location: 3p12.2.
Variant type: single nucleotide variant.
Coding change: c.1618+2T>C on transcript NM_000158.4 (MANE Select); the canonical splice donor site of the intron after coding-DNA position 1618, T replaced by C.
Molecular consequence: splice donor variant.
Genome position (GRCh38, 1-based): chr3:81,577,923, A>G on the plus strand (T>C on the coding strand, the complement: GBE1 is on the minus strand). VCF-style: chr3-81577923-A-G. GRCh37 (hg19) VCF-style: chr3-81627074-A-G.
Identifiers: ClinVar variation 4068522 (VCV004068522.2).

ClinVar aggregate classification (germline): Pathogenic (1 of 4 stars; one submission).

Conditions:
Glycogen storage disease, type IV (GSD4). Also called: AMYLOPECTINOSIS; ANDERSEN DISEASE; BRANCHER DEFICIENCY; CIRRHOSIS, FAMILIAL, WITH DEPOSITION OF ABNORMAL GLYCOGEN; GBE1 DEFICIENCY; GLYCOGEN BRANCHING ENZYME DEFICIENCY. Identifiers: Orphanet 367, MedGen C0017923, MONDO:0009292, OMIM 232500.

Submission:

Natera, Inc.
Classification: Pathogenic for Glycogen storage disease type IV. Last evaluated: 2025-01-08. Review status: criteria provided, single submitter. Criteria: Natera Variant Classification Schema (03/2026). Collection method: clinical testing. Allele origin: germline.
Comment: The c.1618+2T>C variant in GBE1 is a canonical splice donor site variant predicted to affect pre-mRNA splicing, which may result in an abnormal transcript and altered protein product. This variant is expected to result in nonsense mediated decay, truncation, or a dysfunctional protein product. This variant is rare in the general population with a frequency below the threshold expected for the associated phenotype(s). Another variant at this same site results in an alteration predicted to cause a similar molecular effect has been observed in individual(s) with the associated phenotype. Given the available evidence, this variant is classified as Pathogenic.